The following is an entry in ClinVar:

ClinVar aggregate classification (germline): Uncertain significance (1 of 4 stars; one submission).

Conditions:
Kabuki syndrome. Also called: Kabuki make-up syndrome; NIIKAWA-KUROKI SYNDROME. Identifiers: Orphanet 2322, MedGen C0796004, MONDO:0016512.

Submission:

Labcorp Genetics (formerly Invitae), Labcorp
Classification: Uncertain significance for Kabuki syndrome. Last evaluated: 2021-10-10. Review status: criteria provided, single submitter. Criteria: Invitae Variant Classification Sherloc (09022015). Collection method: clinical testing. Allele origin: germline.
Comment: In summary, the available evidence is currently insufficient to determine the role of this variant in disease. Therefore, it has been classified as a Variant of Uncertain Significance. Advanced modeling of protein sequence and biophysical properties (such as structural, functional, and spatial information, amino acid conservation, physicochemical variation, residue mobility, and thermodynamic stability) performed at Invitae indicates that this missense variant is not expected to disrupt KMT2D protein function. This variant has not been reported in the literature in individuals affected with KMT2D-related conditions. This variant is not present in population databases (ExAC no frequency). This sequence change replaces histidine with proline at codon 3875 of the KMT2D protein (p.His3875Pro). The histidine residue is weakly conserved and there is a moderate physicochemical difference between histidine and proline.

NM_003482.4(KMT2D):c.11624A>C (p.His3875Pro)

Gene: KMT2D (lysine methyltransferase 2D; minus strand). Cytogenetic location: 12q13.12.
Variant type: single nucleotide variant.
Coding change: c.11624A>C on transcript NM_003482.4 (MANE Select); coding-DNA position 11624, A replaced by C.
Protein change: p.His3875Pro; replaces histidine 3875 with proline.
Molecular consequence: missense variant.
Genome position (GRCh38, 1-based): chr12:49,033,081, T>G on the plus strand (A>C on the coding strand, the complement: KMT2D is on the minus strand). VCF-style: chr12-49033081-T-G. GRCh37 (hg19) VCF-style: chr12-49426864-T-G.
Other names: short protein forms H3875P.
Identifiers: ClinVar variation 1409185 (VCV001409185.6), dbSNP rs1592120054, ClinGen allele CA384717136.